The following is an entry in ClinVar:

ClinVar aggregate classification (germline): Benign/Likely benign. Review status: criteria provided, multiple submitters, no conflicts (2 of 4 stars). 11 submissions from 11 submitters: Benign (4); Likely benign (3). 4 of the submissions do not count toward it. Last evaluated 2026-02-10.

Conditions:
Hereditary cancer-predisposing syndrome. Also called: Neoplastic Syndromes, Hereditary; Hereditary Cancer Syndrome; Tumor predisposition; Hereditary neoplastic syndrome. Identifiers: Orphanet 140162, MedGen C0027672, MeSH D009386, MONDO:0015356.
Fanconi anemia (FA). Also called: Fanconi's anemia. Identifiers: Orphanet 84, MedGen C0015625, MeSH D005199, MONDO:0019391.
Fanconi anemia complementation group P. Also called: SLX4-Related Fanconi Anemia. Identifiers: Orphanet 84, MedGen C3469542, MONDO:0013499, OMIM 613951.

Allele frequency attached by ClinVar (database versions not stated): gnomAD exomes 0.00231 and 0.00376; ESP Exome Variant Server 0.00770; gnomAD 0.00924 and 0.00968; TOPMed 0.00987; 1000 Genomes Project 30x 0.01093; ExAC 0.00437; 1000 Genomes Project 0.01078.
gnomAD v4.1: 4,846 of 1,613,620 alleles (0.3%); highest among the groups gnomAD compares: African/African-American, 2.8%; 40 homozygotes.

Submissions (11):

Dasa
Classification: Likely benign. Last evaluated: 2026-02-10. Review status: criteria provided, single submitter. Criteria: DASA Assertion Criteria. Collection method: clinical testing. Allele origin: germline.
Comment: NM_032444.4(SLX4):c.1153C>A (p.Pro385Thr) is a missense variant that results in the substitution of proline with threonine. Population frequency is inconsistent with a disease-causing role for this variant, observations in unaffected individuals support a benign interpretation, and the variant context is inconsistent with a known disease-causing mechanism. Computational prediction algorithms are consistent with a benign effect. Therefore, based on the currently available evidence, this variant is classified as likely benign.

Labcorp Genetics (formerly Invitae), Labcorp
Classification: Benign for Fanconi anemia. Last evaluated: 2026-02-03. Review status: criteria provided, single submitter. Criteria: Invitae Variant Classification Sherloc (09022015). Collection method: clinical testing. Allele origin: germline.

Molecular Diagnostics Laboratory, Catalan Institute of Oncology
Classification: Benign for Hereditary cancer-predisposing syndrome. Last evaluated: 2025-07-07. Review status: criteria provided, single submitter. Criteria: ACMG Guidelines, 2015. Collection method: clinical testing. Allele origin: germline.
Comment: BA1, BP4_Moderate c.1153C>A located in exon 5 of the SLX4 gene, is predicted to result in the substitution of proline with threonine at codon 385, p.(Pro385Thr). The variant allele was found in 644/23562 alleles (13 homozygous), with a filter allele frequency of 2.5% at 99% confidence, within the African population in the gnomAD v2.1.1 database (non-cancer data set)(BA1). The SpliceAI algorithm predicts no significant impact on splicing and the REVEL meta-predictor score for this variant (0.044) suggests that it does not affect the protein function according to Pejaver 2022 thresholds (PMID: 36413997)(BP4_Moderate). To our knowledge, neither relevant clinical data nor functional studies have been reported for this variant. This variant has been identified in the ClinVar database (5x likely benign, 4x benign) but has not been identified in the LOVD database. Based on currently available information, c.1153C>A is classified as a benign variant according ACMG guidelines.

KCCC/NGS Laboratory, Kuwait Cancer Control Center
Classification: Benign for Fanconi anemia complementation group P. Last evaluated: 2023-07-07. Review status: criteria provided, single submitter. Criteria: ACMG Guidelines, 2015. Collection method: clinical testing. Allele origin: germline. Affected: yes.

Illumina Laboratory Services, Illumina
Classification: Likely benign for Fanconi anemia complementation group P. Last evaluated: 2017-04-27. Review status: criteria provided, single submitter. Criteria: ICSL Variant Classification Criteria 13 December 2019. Collection method: clinical testing. Allele origin: germline.
Comment: This variant was observed as part of a predisposition screen in an ostensibly healthy population. A literature search was performed for the gene, cDNA change, and amino acid change (where applicable). Publications were found based on this search. The evidence from the literature, in combination with allele frequency data from public databases where available, was sufficient to determine this variant is unlikely to cause disease. Therefore, this variant is classified as likely benign.

Breakthrough Genomics
Classification: Likely benign. Review status: criteria provided, single submitter. Criteria: ACMG Guidelines, 2015. Collection method: not provided. Allele origin: germline. Inheritance: Autosomal recessive inheritance. Affected: yes.

PreventionGenetics, part of Exact Sciences
Classification: Benign. Review status: criteria provided, single submitter. Criteria: ACMG Guidelines, 2015. Collection method: clinical testing. Allele origin: germline.

Leiden Open Variation Database
Classification: Likely benign. Last evaluated: 2012-08-31. Review status: no assertion criteria provided. Collection method: curation. Allele origin: germline. Affected: yes. Not counted in ClinVar's aggregate classification.
Comment: Curator: Arleen D. Auerbach. Submitter to LOVD: Janine Bakker.

Genome Diagnostics Laboratory, Amsterdam University Medical Center
Classification: Benign. Review status: no assertion criteria provided. Collection method: clinical testing. Allele origin: germline. Affected: yes. Study: VKGL Data-share Consensus. Not counted in ClinVar's aggregate classification.

Genome Diagnostics Laboratory, University Medical Center Utrecht
Classification: Likely benign. Review status: no assertion criteria provided. Collection method: clinical testing. Allele origin: germline. Affected: yes. Study: VKGL Data-share Consensus. Not counted in ClinVar's aggregate classification.

Laboratory of Diagnostic Genome Analysis, Leiden University Medical Center (LUMC)
Classification: Likely benign. Review status: no assertion criteria provided. Collection method: clinical testing. Allele origin: germline. Affected: yes. Study: VKGL Data-share Consensus. Not counted in ClinVar's aggregate classification.

Literature cited by the submitters: PubMed 22401137 (cited by Illumina Laboratory Services, Illumina); PubMed 23840564 (cited by Illumina Laboratory Services, Illumina); PubMed 22911665 (cited by Leiden Open Variation Database).

NM_032444.4(SLX4):c.1153C>A (p.Pro385Thr)

Gene: SLX4 (SLX4 structure-specific endonuclease subunit; minus strand). Cytogenetic location: 16p13.3.
Variant type: single nucleotide variant.
Coding change: c.1153C>A on transcript NM_032444.4 (MANE Select); coding-DNA position 1153, C replaced by A.
Protein change: p.Pro385Thr; replaces proline 385 with threonine.
Molecular consequence: missense variant.
Genome position (GRCh38, 1-based): chr16:3,600,989, G>T on the plus strand (C>A on the coding strand, the complement: SLX4 is on the minus strand). VCF-style: chr16-3600989-G-T. GRCh37 (hg19) VCF-style: chr16-3650990-G-T.
Other names: c.1153C>A (NM_032444.3, LRG_503t1); short protein forms P385T.
Identifiers: ClinVar variation 262031 (VCV000262031.25), dbSNP rs115694169, ClinGen allele CA7866631.